The following is an entry in ClinVar:

ClinVar aggregate classification (germline): Benign/Likely benign. Review status: criteria provided, multiple submitters, no conflicts (2 of 4 stars). 2 submissions from 2 submitters: Benign (1); Likely benign (1). Last evaluated 2025-07-21.

Allele frequency attached by ClinVar (database versions not stated): TOPMed 0.00008; gnomAD 0.00023 and 0.00004; gnomAD exomes 0.00058; ExAC 0.00059; 1000 Genomes Project 30x 0.00094; 1000 Genomes Project 0.00120.

Submissions (2):

Labcorp Genetics (formerly Invitae), Labcorp
Classification: Benign. Last evaluated: 2025-07-21. Review status: criteria provided, single submitter. Criteria: Invitae Variant Classification Sherloc (09022015). Collection method: clinical testing. Allele origin: germline.

CeGaT Center for Human Genetics Tuebingen
Classification: Likely benign. Last evaluated: 2024-12-01. Review status: criteria provided, single submitter. Criteria: CeGaT Center For Human Genetics Tuebingen Variant Classification Criteria Version 2. Collection method: clinical testing. Allele origin: germline. Affected: yes. Observed: 2 variant alleles.
Comment: DLL1: BP4, BP7

NM_005618.4(DLL1):c.1833G>A (p.Gln611=)

Gene: DLL1 (delta like canonical Notch ligand 1; minus strand). Cytogenetic location: 6q27.
Variant type: single nucleotide variant.
Coding change: c.1833G>A on transcript NM_005618.4 (MANE Select); coding-DNA position 1833, G replaced by A.
Protein change: p.Gln611=; no amino-acid change (glutamine 611 retained).
Molecular consequence: synonymous variant.
Genome position (GRCh38, 1-based): chr6:170,283,446, C>T on the plus strand (G>A on the coding strand, the complement: DLL1 is on the minus strand). VCF-style: chr6-170283446-C-T. GRCh37 (hg19) VCF-style: chr6-170592534-C-T.
Identifiers: ClinVar variation 738615 (VCV000738615.32), dbSNP rs374942727, ClinGen allele CA4106712.